The following is an entry in ClinVar:

NM_001848.3(COL6A1):c.85G>A (p.Val29Met)

Gene: COL6A1 (collagen type VI alpha 1 chain; plus strand). Cytogenetic location: 21q22.3.
Variant type: single nucleotide variant.
Coding change: c.85G>A on transcript NM_001848.3 (MANE Select); coding-DNA position 85, G replaced by A.
Protein change: p.Val29Met; replaces valine 29 with methionine.
Molecular consequence: missense variant.
Genome position (GRCh38, 1-based): chr21:45,981,935, G>A. VCF-style: chr21-45981935-G-A. GRCh37 (hg19) VCF-style: chr21-47401849-G-A.
Other names: p.Val29Met; short protein forms V29M.
Identifiers: ClinVar variation 568846 (VCV000568846.13), dbSNP rs766057159, ClinGen allele CA10069435.
Genomic context (GRCh38, chr21:45,981,935, plus strand): 5'-CCCCTGCTGCTGCAGGCCTGCTGGACAGCCGCGCAGGATGAGCCGGAGACCCCGAGGGCC[G>A]TGGCCTTCCAGGGTGAGTGGTGGCTTGGGGTGCAGGCTCCAGACCCCCCGCTCTTTGCTG-3'
Protein context (NP_001839.2, residues 19-39): AQDEPETPRA[Val29Met]AFQDCPVDLF

ClinVar aggregate classification (germline): Uncertain significance. Review status: criteria provided, multiple submitters, no conflicts (2 of 4 stars). 4 submissions from 4 submitters: Uncertain significance (3). 1 of the submissions does not count toward it. Last evaluated 2025-11-09.

Conditions:
Inborn genetic diseases. Identifiers: MedGen C0950123, MeSH D030342.
Collagen 6-related myopathy. Identifiers: MedGen CN117976, MONDO:0100225.
Bethlem myopathy 1A. Also called: MYOPATHY, BENIGN CONGENITAL, WITH CONTRACTURES; Bethlem myopathy 1; Bethlem Muscular Dystrophy. Identifiers: Orphanet 610, MedGen CN029274, MONDO:0024530, OMIM 158810.

Allele frequency attached by ClinVar (database versions not stated): gnomAD exomes 0.00001; ExAC 0.00005.
gnomAD v4.1: 10 of 1,606,462 alleles (0.00062%); highest among the groups gnomAD compares: Admixed American, 0.0034%; no homozygotes.

Submissions (4):

Labcorp Genetics (formerly Invitae), Labcorp
Classification: Uncertain significance for Bethlem myopathy 1A. Last evaluated: 2025-11-09. Review status: criteria provided, single submitter. Criteria: Invitae Variant Classification Sherloc (09022015). Collection method: clinical testing. Allele origin: germline.
Comment: This sequence change replaces valine, which is neutral and non-polar, with methionine, which is neutral and non-polar, at codon 29 of the COL6A1 protein (p.Val29Met). The frequency data for this variant in the population databases is considered unreliable, as metrics indicate poor data quality at this position in the gnomAD database. This variant has not been reported in the literature in individuals affected with COL6A1-related conditions. ClinVar contains an entry for this variant (Variation ID: 568846). Invitae Evidence Modeling of protein sequence and biophysical properties (such as structural, functional, and spatial information, amino acid conservation, physicochemical variation, residue mobility, and thermodynamic stability) indicates that this missense variant is not expected to disrupt COL6A1 protein function with a negative predictive value of 95%. In summary, the available evidence is currently insufficient to determine the role of this variant in disease. Therefore, it has been classified as a Variant of Uncertain Significance.

Ambry Genetics
Classification: Uncertain significance for Inborn genetic diseases. Last evaluated: 2025-06-06. Review status: criteria provided, single submitter. Criteria: Ambry Variant Classification Scheme 2023. Collection method: clinical testing. Allele origin: germline.

Revvity Omics, Revvity
Classification: Uncertain significance. Last evaluated: 2019-09-19. Review status: criteria provided, single submitter. Criteria: ACMG Guidelines, 2015. Collection method: clinical testing. Allele origin: germline.

Pediatric Orthopedics, West China Second University Hospital, Sichuan University
Classification: Uncertain significance for Collagen 6-related myopathy. Last evaluated: 2026-06-17. Review status: no assertion criteria provided. Collection method: clinical testing. Allele origin: germline. Affected: yes and no. Observed: 2 variant alleles, 2 heterozygotes. Not counted in ClinVar's aggregate classification.
Comment: The clinical genetic testing report predicted this variant to be deleterious in silico. Although the co-occurrence of these two heterozygous variants may be relevant to the severe phenotype, the available evidence is insufficient to determine the pathogenic role of this COL6A1 variant. Therefore, this variant was classified as a variant of uncertain significance.